The following is an entry in ClinVar:

NM_006662.3(SRCAP):c.3908T>C (p.Val1303Ala)

Gene: SRCAP (Snf2 related CREBBP activator protein; plus strand). Cytogenetic location: 16p11.2.
Variant type: single nucleotide variant.
Coding change: c.3908T>C on transcript NM_006662.3 (MANE Select); coding-DNA position 3908, T replaced by C.
Protein change: p.Val1303Ala; replaces valine 1303 with alanine.
Molecular consequence: missense variant.
Genome position (GRCh38, 1-based): chr16:30,722,978, T>C. VCF-style: chr16-30722978-T-C. GRCh37 (hg19) VCF-style: chr16-30734299-T-C.
Other names: short protein forms V1303A.
Identifiers: ClinVar variation 4685325 (VCV004685325.1).

ClinVar aggregate classification (germline): Uncertain significance (1 of 4 stars; one submission).

Submission:

GeneDx
Classification: Uncertain significance. Last evaluated: 2025-07-09. Review status: criteria provided, single submitter. Criteria: GeneDx Variant Classification Process June 2021. Collection method: clinical testing. Allele origin: germline. Affected: yes.
Comment: Not observed at significant frequency in large population cohorts (gnomAD); In silico analysis suggests that this missense variant does not alter protein structure/function; Has not been previously published as pathogenic or benign to our knowledge